The following is an entry in ClinVar:

ClinVar aggregate classification (germline): Uncertain significance (1 of 4 stars; one submission).

Conditions:
Joubert syndrome. Also called: CEREBELLOPARENCHYMAL DISORDER IV; JOUBERT-BOLTSHAUSER SYNDROME; Familial aplasia of the vermis. Identifiers: Orphanet 475, MedGen C5979921, MONDO:0018772.
Meckel-Gruber syndrome. Also called: DYSENCEPHALIA SPLANCHNOCYSTICA; GRUBER SYNDROME; Dysencephalia splachnocystica. Identifiers: Orphanet 564, MedGen C0265215, MONDO:0018921.

Submission:

Labcorp Genetics (formerly Invitae), Labcorp
Classification: Uncertain significance for Joubert syndrome; Meckel-Gruber syndrome. Last evaluated: 2025-09-02. Review status: criteria provided, single submitter. Criteria: Invitae Variant Classification Sherloc (09022015). Collection method: clinical testing. Allele origin: germline.
Comment: This sequence change replaces serine, which is neutral and polar, with leucine, which is neutral and non-polar, at codon 232 of the TMEM67 protein (p.Ser232Leu). This variant is not present in population databases (gnomAD no frequency). This variant has not been reported in the literature in individuals affected with TMEM67-related conditions. ClinVar contains an entry for this variant (Variation ID: 1425743). Invitae Evidence Modeling of protein sequence and biophysical properties (such as structural, functional, and spatial information, amino acid conservation, physicochemical variation, residue mobility, and thermodynamic stability) indicates that this missense variant is expected to disrupt TMEM67 protein function with a positive predictive value of 95%. In summary, the available evidence is currently insufficient to determine the role of this variant in disease. Therefore, it has been classified as a Variant of Uncertain Significance.

NM_153704.6(TMEM67):c.695C>T (p.Ser232Leu)

Gene: TMEM67 (transmembrane protein 67; plus strand). Cytogenetic location: 8q22.1.
Variant type: single nucleotide variant.
Coding change: c.695C>T on transcript NM_153704.6 (MANE Select); coding-DNA position 695, C replaced by T.
Protein change: p.Ser232Leu; replaces serine 232 with leucine.
Molecular consequence: missense variant. On other transcripts: non-coding transcript variant (1).
Genome position (GRCh38, 1-based): chr8:93,772,632, C>T. VCF-style: chr8-93772632-C-T. GRCh37 (hg19) VCF-style: chr8-94784860-C-T.
Other names: c.452C>T, p.Ser151Leu (NM_001142301.1); short protein forms S232L, S151L.
Identifiers: ClinVar variation 1425743 (VCV001425743.6), dbSNP rs2130622470, ClinGen allele CA371687347.